The following is an entry in ClinVar:

NM_015001.3(SPEN):c.5269C>A (p.Gln1757Lys)

Gene: SPEN (spen family transcriptional repressor; plus strand). Cytogenetic location: 1p36.13.
Variant type: single nucleotide variant.
Coding change: c.5269C>A on transcript NM_015001.3 (MANE Select); coding-DNA position 5269, C replaced by A.
Protein change: p.Gln1757Lys; replaces glutamine 1757 with lysine.
Molecular consequence: missense variant.
Genome position (GRCh38, 1-based): chr1:15,931,509, C>A. VCF-style: chr1-15931509-C-A. GRCh37 (hg19) VCF-style: chr1-16258004-C-A.
Other names: short protein forms Q1757K.
Identifiers: ClinVar variation 3356851 (VCV003356851.1).
Genomic context (GRCh38, chr1:15,931,509, plus strand): 5'-ACTCCCGGGGCCTCGTTTTCCCAGGCAGAGAGCAACGTAGATCCAGAGCCTGACAGTACC[C>A]AGCCACTTTCAAAACCAGCTCAGAAGTCTGAGGAAGCCAATGAGCCAAAGGCCGAAAAGC-3'
Protein context (NP_055816.2, residues 1747-1767): SNVDPEPDST[Gln1757Lys]PLSKPAQKSE

ClinVar aggregate classification (germline): Uncertain significance (0 of 4 stars; one submission).

Conditions:
SPEN-related disorder. Also called: SPEN-related condition.

Submission:

PreventionGenetics, part of Exact Sciences
Classification: Uncertain significance for SPEN-related condition. Last evaluated: 2024-07-03. Review status: no assertion criteria provided. Collection method: clinical testing. Allele origin: germline.
Comment: The SPEN c.5269C>A variant is predicted to result in the amino acid substitution p.Gln1757Lys. To our knowledge, this variant has not been reported in the literature. This variant is reported in 0.00088% of alleles in individuals of European (Non-Finnish) descent in gnomAD. At this time, the clinical significance of this variant is uncertain due to the absence of conclusive functional and genetic evidence.